The following is an entry in ClinVar:

ClinVar aggregate classification (germline): Likely benign (1 of 4 stars; one submission).

Conditions:
Lynch syndrome 4 (LYNCH4). Also called: Colorectal cancer, hereditary nonpolyposis, type 4; Hereditary non-polyposis colorectal cancer, type 4. Identifiers: Orphanet 144, MedGen C1838333, MONDO:0013699, OMIM 614337. Disease mechanism: loss of function.

Submission:

Myriad Genetics, Inc.
Classification: Likely benign for Lynch syndrome 4. Last evaluated: 2025-02-03. Review status: criteria provided, single submitter. Criteria: Myriad Autosomal Dominant, Autosomal Recessive and X-Linked Classification Criteria (2023). Collection method: clinical testing. Allele origin: unknown.
Comment: This variant is considered likely benign. This variant is intronic and is not expected to impact mRNA splicing.

NM_000535.7(PMS2):c.2006+9T>C

Gene: PMS2 (PMS1 homolog 2, mismatch repair system component; minus strand). Cytogenetic location: 7p22.1.
Variant type: single nucleotide variant.
Coding change: c.2006+9T>C on transcript NM_000535.7 (MANE Select); 9 bases into the intron after coding-DNA position 2006, T replaced by C.
Molecular consequence: intron variant.
Genome position (GRCh38, 1-based): chr7:5,986,750, A>G on the plus strand (T>C on the coding strand, the complement: PMS2 is on the minus strand). VCF-style: chr7-5986750-A-G. GRCh37 (hg19) VCF-style: chr7-6026381-A-G.
Other names: c.1688+9T>C (NM_001322008.2, NM_001406883.1, NM_001406903.1 and 2 more transcripts); c.1697+9T>C (NM_001406881.1, NM_001406879.1, NM_001322015.2 and 5 more transcripts); c.1601+9T>C (NM_001406895.1, NM_001322004.2, NM_001406889.1 and 16 more transcripts); c.1235+9T>C (NM_001406911.1); c.1445+9T>C (NM_001322010.2, NM_001406906.1, NM_001406907.1); c.1532+9T>C (NM_001406902.1, NM_001406901.1); c.1493+9T>C (NM_001406904.1, NM_001406905.1); c.1433+9T>C (NM_001322013.2, NM_001406909.1); and 13 more.
Identifiers: ClinVar variation 3904278 (VCV003904278.1).
Genomic context (GRCh38, chr7:5,986,750, plus strand): 5'-TCAAAAAAATAAAAAATAAAAATAAAAATTTTAGATAAAAAGAGAAAAAGTAAAAAATTA[A>G]AACTTTACCTTATCTCTTTTCTTAGTTCATCTTCGGCTGCTTGATTTTCTCCAGGACAAA-3'